The following is an entry in ClinVar:

ClinVar aggregate classification (germline): Pathogenic. Review status: criteria provided, multiple submitters, no conflicts (2 of 4 stars). 3 submissions from 3 submitters: Pathogenic (3). Last evaluated 2024-11-05.

Conditions:
Familial cancer of breast. Also called: BREAST CANCER, FAMILIAL; hereditary breast carcinoma; Hereditary breast cancer. Identifiers: Orphanet 227535, MedGen C0346153, MONDO:0016419, OMIM 114480. Disease mechanism: loss of function.
Hereditary cancer-predisposing syndrome. Also called: Tumor predisposition; Hereditary neoplastic syndrome; Neoplastic Syndromes, Hereditary; Hereditary Cancer Syndrome. Identifiers: Orphanet 140162, MedGen C0027672, MeSH D009386, MONDO:0015356.

Submissions (3):

Labcorp Genetics (formerly Invitae), Labcorp
Classification: Pathogenic for Familial cancer of breast. Last evaluated: 2024-11-05. Review status: criteria provided, single submitter. Criteria: Invitae Variant Classification Sherloc (09022015). Collection method: clinical testing. Allele origin: germline.
Comment: This sequence change creates a premature translational stop signal (p.Pro656Glnfs*4) in the PALB2 gene. It is expected to result in an absent or disrupted protein product. Loss-of-function variants in PALB2 are known to be pathogenic (PMID: 17200668, 17200671, 17200672, 24136930, 25099575). This variant is not present in population databases (gnomAD no frequency). This variant has not been reported in the literature in individuals affected with PALB2-related conditions. ClinVar contains an entry for this variant (Variation ID: 665364). For these reasons, this variant has been classified as Pathogenic.

Myriad Genetics, Inc.
Classification: Pathogenic for Familial cancer of breast. Last evaluated: 2023-09-12. Review status: criteria provided, single submitter. Criteria: Myriad Autosomal Dominant, Autosomal Recessive and X-Linked Classification Criteria (2023). Collection method: clinical testing. Allele origin: unknown.
Comment: This variant is considered pathogenic. This variant creates a frameshift predicted to result in premature protein truncation.

Ambry Genetics
Classification: Pathogenic for Hereditary cancer-predisposing syndrome. Last evaluated: 2023-02-27. Review status: criteria provided, single submitter. Criteria: Ambry Variant Classification Scheme 2023. Collection method: clinical testing. Allele origin: germline.
Comment: The c.1965delT pathogenic mutation, located in coding exon 5 of the PALB2 gene, results from a deletion of one nucleotide at nucleotide position 1965, causing a translational frameshift with a predicted alternate stop codon (p.P656Qfs*4). This alteration is expected to result in loss of function by premature protein truncation or nonsense-mediated mRNA decay. As such, this alteration is interpreted as a disease-causing mutation.

Literature cited by the submitters: PubMed 17200668 (cited by Labcorp Genetics (formerly Invitae), Labcorp); PubMed 17200671 (cited by Labcorp Genetics (formerly Invitae), Labcorp); PubMed 17200672 (cited by Labcorp Genetics (formerly Invitae), Labcorp); PubMed 24136930 (cited by Labcorp Genetics (formerly Invitae), Labcorp); PubMed 25099575 (cited by Labcorp Genetics (formerly Invitae), Labcorp).

NM_024675.4(PALB2):c.1965del (p.Pro656fs)

Gene: PALB2 (partner and localizer of BRCA2; minus strand). Cytogenetic location: 16p12.2.
Variant type: Deletion.
Coding change: c.1965del on transcript NM_024675.4 (MANE Select); coding-DNA position 1965, one base deleted (T; older notation c.1965delT).
Protein change: p.Pro656fs; shifts the reading frame from proline 656.
Molecular consequence: frameshift variant.
Genome position (GRCh38, 1-based): chr16:23,630,189, A deleted on the plus strand (T on the coding strand, the reverse complement: PALB2 is on the minus strand); the first of 5 consecutive A bases (chr16:23,630,189-23,630,193); deleting any one gives the same sequence. VCF-style (leftmost placement, unchanged base first): chr16-23630188-GA-G. GRCh37 (hg19) VCF-style: chr16-23641509-GA-G.
Other names: c.1965delT (NM_024675.3); short protein forms P656fs.
Identifiers: ClinVar variation 665364 (VCV000665364.13), dbSNP rs1597090596, ClinGen allele CA915949191.